The following is an entry in ClinVar:

NM_004260.4(RECQL4):c.1868G>C (p.Arg623Pro)

Gene: RECQL4 (RecQ like helicase 4; minus strand). Cytogenetic location: 8q24.3.
Variant type: single nucleotide variant.
Coding change: c.1868G>C on transcript NM_004260.4 (MANE Select); coding-DNA position 1868, G replaced by C.
Protein change: p.Arg623Pro; replaces arginine 623 with proline.
Molecular consequence: missense variant.
Genome position (GRCh38, 1-based): chr8:144,514,199, C>G on the plus strand (G>C on the coding strand, the complement: RECQL4 is on the minus strand). VCF-style: chr8-144514199-C-G. GRCh37 (hg19) VCF-style: chr8-145739583-C-G.
Other names: short protein forms R623P.
Identifiers: ClinVar variation 1026665 (VCV001026665.5), dbSNP rs201734382, ClinGen allele CA372680595.

ClinVar aggregate classification (germline): Uncertain significance (1 of 4 stars; one submission).

Conditions:
Baller-Gerold syndrome (BGS). Also called: CRANIOSYNOSTOSIS WITH RADIAL DEFECTS. Identifiers: Orphanet 1225, MedGen C0265308, MONDO:0009039, OMIM 218600.

gnomAD v4.1: 1 of 1,612,352 alleles (0.000062%); highest among the groups gnomAD compares: Admixed American, 0.0017%; no homozygotes.

Submission:

Labcorp Genetics (formerly Invitae), Labcorp
Classification: Uncertain significance for Baller-Gerold syndrome. Last evaluated: 2025-03-17. Review status: criteria provided, single submitter. Criteria: Invitae Variant Classification Sherloc (09022015). Collection method: clinical testing. Allele origin: germline.
Comment: This sequence change replaces arginine, which is basic and polar, with proline, which is neutral and non-polar, at codon 623 of the RECQL4 protein (p.Arg623Pro). This variant is not present in population databases (gnomAD no frequency). This variant has not been reported in the literature in individuals affected with RECQL4-related conditions. ClinVar contains an entry for this variant (Variation ID: 1026665). Invitae Evidence Modeling of protein sequence and biophysical properties (such as structural, functional, and spatial information, amino acid conservation, physicochemical variation, residue mobility, and thermodynamic stability) indicates that this missense variant is expected to disrupt RECQL4 protein function with a positive predictive value of 80%. In summary, the available evidence is currently insufficient to determine the role of this variant in disease. Therefore, it has been classified as a Variant of Uncertain Significance.